The following is an entry in ClinVar:

NM_000070.3(CAPN3):c.1897C>T (p.Gln633Ter)

Gene: CAPN3 (calpain 3; plus strand). Cytogenetic location: 15q15.1.
Variant type: single nucleotide variant.
Coding change: c.1897C>T on transcript NM_000070.3 (MANE Select); coding-DNA position 1897, C replaced by T.
Protein change: p.Gln633Ter; replaces glutamine 633 with a stop codon.
Molecular consequence: nonsense. On other transcripts: intron variant (3).
Genome position (GRCh38, 1-based): chr15:42,408,307, C>T. VCF-style: chr15-42408307-C-T. GRCh37 (hg19) VCF-style: chr15-42700505-C-T.
Other names: c.1879C>T, p.Gln627Ter (NM_024344.2); c.361C>T, p.Gln121Ter (NM_173088.2); c.1639-996C>T (NM_173087.2); c.-81-996C>T (NM_173090.2, NM_173089.2); c.1897C>T (NM_000070.2); short protein forms Q633*, Q627*, Q121*.
Identifiers: ClinVar variation 813982 (VCV000813982.6), dbSNP rs1595844413, ClinGen allele CA392000870.

ClinVar aggregate classification (germline): Pathogenic/Likely pathogenic. Review status: criteria provided, multiple submitters, no conflicts (2 of 4 stars). 5 submissions from 5 submitters: Pathogenic (4); Likely pathogenic (1). Last evaluated 2026-01-26.

Conditions:
Muscular dystrophy, limb-girdle, autosomal dominant 4. Also called: MUSCULAR DYSTROPHY, LIMB-GIRDLE, TYPE 1I; Calpain-3-related limb-girdle muscular dystrophy D4. Identifiers: Orphanet 565909, MedGen C4748295, MONDO:0029133, OMIM 618129.
Autosomal recessive limb-girdle muscular dystrophy type 2A (LGMDR1). Also called: Calpainopathy; LEYDEN-MOEBIUS MUSCULAR DYSTROPHY; MUSCULAR DYSTROPHY, PELVOFEMORAL; Muscular dystrophy, limb-girdle, type 2A, Amish; Limb-girdle muscular dystrophy, type 2A. Identifiers: Orphanet 267, MedGen C1869123, MONDO:0009675, OMIM 253600. Disease mechanism: loss of function.

Allele frequency attached by ClinVar (database versions not stated): gnomAD exomes below 0.00001.

Submissions (5):

Women's Health and Genetics/Laboratory Corporation of America, LabCorp
Classification: Pathogenic for Autosomal recessive limb-girdle muscular dystrophy type 2A. Last evaluated: 2026-01-26. Review status: criteria provided, single submitter. Criteria: LabCorp Variant Classification Summary - May 2015. Collection method: clinical testing. Allele origin: germline.
Comment: Variant summary: CAPN3 c.1897C>T (p.Gln633X) results in a premature termination codon, predicted to cause a truncation of the encoded protein or absence of the protein due to nonsense mediated decay, which are commonly known mechanisms for disease. The variant was absent in 251366 control chromosomes. c.1897C>T has been observed in at least one compound heterozygous individual affected with Autosomal recessive limb-girdle muscular dystrophy type 2A (e.g., Groen_2007). To our knowledge, no experimental evidence demonstrating an impact on protein function has been reported. The following publication has been ascertained in the context of this evaluation (PMID: 18055493). ClinVar contains an entry for this variant (Variation ID: 813982). Based on the evidence outlined above, the variant was classified as pathogenic.

Natera, Inc.
Classification: Pathogenic for Limb-girdle muscular dystrophy type 2A. Last evaluated: 2024-05-09. Review status: criteria provided, single submitter. Criteria: Natera Variant Classification Schema (03/2026). Collection method: clinical testing. Allele origin: germline.
Comment: The c.1897C>T variant in CAPN3 is a nonsense variant predicted to introduce a stop codon at amino acid 633. This variant is expected to result in nonsense mediated decay, truncation, or a dysfunctional protein product. This variant is rare in the general population with a frequency below the threshold expected for the associated phenotype(s). This variant has been observed in one or more individuals affected with the associated recessive disease, as either homozygous or compound heterozygous with a second variant (PMID: 18055493). Given the available evidence, this variant is classified as Pathogenic.

Labcorp Genetics (formerly Invitae), Labcorp
Classification: Pathogenic for Autosomal recessive limb-girdle muscular dystrophy type 2A. Last evaluated: 2024-02-13. Review status: criteria provided, single submitter. Criteria: Invitae Variant Classification Sherloc (09022015). Collection method: clinical testing. Allele origin: germline.
Comment: This sequence change creates a premature translational stop signal (p.Gln633*) in the CAPN3 gene. It is expected to result in an absent or disrupted protein product. Loss-of-function variants in CAPN3 are known to be pathogenic (PMID: 10330340, 15689361). This variant is not present in population databases (gnomAD no frequency). This premature translational stop signal has been observed in individual(s) with limb-girdle muscular dystrophy (PMID: 18055493). ClinVar contains an entry for this variant (Variation ID: 813982). Algorithms developed to predict the effect of sequence changes on RNA splicing suggest that this variant may disrupt the consensus splice site. For these reasons, this variant has been classified as Pathogenic.

Baylor Genetics
Classification: Pathogenic for Muscular dystrophy, limb-girdle, autosomal dominant 4. Last evaluated: 2023-04-19. Review status: criteria provided, single submitter. Criteria: ACMG Guidelines, 2015. Collection method: clinical testing. Allele origin: unknown.

Broad Center for Mendelian Genomics, Broad Institute of MIT and Harvard
Classification: Likely pathogenic for Autosomal recessive limb-girdle muscular dystrophy type 2A. Last evaluated: 2018-12-03. Review status: criteria provided, single submitter. Criteria: ACMG Guidelines, 2015. Collection method: research. Allele origin: germline. Inheritance: Autosomal recessive inheritance. Affected: yes.
Comment: The homozygous p.Gln633Ter variant in CAPN3 was identified by our study in two unrelated individuals with limb-girdle muscular dystrophy (LGMD). This variant was absent from large population studies. This nonsense variant leads to a premature termination codon at position 633, which is predicted to lead to a truncated or absent protein. Loss of function of the CAPN3 gene is an established disease mechanism in autosomal recessive LGMD. In summary, although additional studies are required to fully establish its clinical significance, this variant is likely pathogenic. ACMG/AMP Criteria applied: PM2, PVS1 (Richards 2015).

Literature cited by the submitters: PubMed 18055493 (cited by 3 submitters); PubMed 10330340 (cited by Labcorp Genetics (formerly Invitae), Labcorp); PubMed 15689361 (cited by Labcorp Genetics (formerly Invitae), Labcorp).